The following is an entry in ClinVar:

NM_020778.5(ALPK3):c.3055G>A (p.Glu1019Lys)

Gene: ALPK3 (alpha kinase 3; plus strand). Cytogenetic location: 15q25.3.
Variant type: single nucleotide variant.
Coding change: c.3055G>A on transcript NM_020778.5 (MANE Select); coding-DNA position 3055, G replaced by A.
Protein change: p.Glu1019Lys; replaces glutamic acid 1019 with lysine.
Molecular consequence: missense variant.
Genome position (GRCh38, 1-based): chr15:84,857,793, G>A. VCF-style: chr15-84857793-G-A. GRCh37 (hg19) VCF-style: chr15-85401024-G-A.
Other names: short protein forms E1019K.
Identifiers: ClinVar variation 3227472 (VCV003227472.1), dbSNP rs746143390, ClinGen allele CA7709549.

ClinVar aggregate classification (germline): Uncertain significance (1 of 4 stars; one submission).

Conditions:
Cardiovascular phenotype. Identifiers: MedGen CN230736.

Allele frequency attached by ClinVar (database versions not stated): ExAC 0.00001; gnomAD exomes 0.00001.
gnomAD v4.1: 7 of 1,611,974 alleles (0.00043%); highest among the groups gnomAD compares: South Asian, 0.0077%; no homozygotes.

Submission:

Ambry Genetics
Classification: Uncertain significance for Cardiovascular phenotype. Last evaluated: 2024-03-07. Review status: criteria provided, single submitter. Criteria: Ambry Variant Classification Scheme 2023. Collection method: clinical testing. Allele origin: germline.
Comment: The p.E1221K variant (also known as c.3661G>A), located in coding exon 6 of the ALPK3 gene, results from a G to A substitution at nucleotide position 3661. The glutamic acid at codon 1221 is replaced by lysine, an amino acid with similar properties. This amino acid position is conserved. In addition, this alteration is predicted to be tolerated by in silico analysis. Based on the available evidence, the clinical significance of this alteration remains unclear.